The following is an entry in ClinVar:

NM_012470.4(TNPO3):c.712T>C (p.Ser238Pro)

Gene: TNPO3 (transportin 3; minus strand). Cytogenetic location: 7q32.1.
Variant type: single nucleotide variant.
Coding change: c.712T>C on transcript NM_012470.4 (MANE Select); coding-DNA position 712, T replaced by C.
Protein change: p.Ser238Pro; replaces serine 238 with proline.
Molecular consequence: missense variant. On other transcripts: non-coding transcript variant (18).
Genome position (GRCh38, 1-based): chr7:129,001,219, A>G on the plus strand (T>C on the coding strand, the complement: TNPO3 is on the minus strand). VCF-style: chr7-129001219-A-G. GRCh37 (hg19) VCF-style: chr7-128641273-A-G.
Other names: c.712T>C, p.Ser238Pro (NM_001191028.3, NM_001382216.1, NM_001382218.1 and 4 more transcripts); c.793T>C, p.Ser265Pro (NM_001382217.1); c.568T>C, p.Ser190Pro (NM_001382221.1); short protein forms S190P, S238P, S265P.
Identifiers: ClinVar variation 3661599 (VCV003661599.2).

ClinVar aggregate classification (germline): Uncertain significance (1 of 4 stars; one submission).

Conditions:
Autosomal dominant limb-girdle muscular dystrophy type 1F (LGMDD2). Also called: Limb-girdle muscular dystrophy, type 1F; MUSCULAR DYSTROPHY, LIMB-GIRDLE, AUTOSOMAL DOMINANT 2. Identifiers: Orphanet 55595, MedGen C1842062, MONDO:0012034, OMIM 608423.

Submission:

Labcorp Genetics (formerly Invitae), Labcorp
Classification: Uncertain significance for Autosomal dominant limb-girdle muscular dystrophy type 1F. Last evaluated: 2024-09-22. Review status: criteria provided, single submitter. Criteria: Invitae Variant Classification Sherloc (09022015). Collection method: clinical testing. Allele origin: germline.
Comment: This sequence change replaces serine, which is neutral and polar, with proline, which is neutral and non-polar, at codon 238 of the TNPO3 protein (p.Ser238Pro). This variant is not present in population databases (gnomAD no frequency). This variant has not been reported in the literature in individuals affected with TNPO3-related conditions. An algorithm developed to predict the effect of missense changes on protein structure and function (PolyPhen-2) suggests that this variant is likely to be tolerated. In summary, the available evidence is currently insufficient to determine the role of this variant in disease. Therefore, it has been classified as a Variant of Uncertain Significance.